The following is an entry in ClinVar:

NM_001081.4(CUBN):c.6254A>G (p.Asn2085Ser)

Gene: CUBN (cubilin; minus strand). Cytogenetic location: 10p13.
Variant type: single nucleotide variant.
Coding change: c.6254A>G on transcript NM_001081.4 (MANE Select); coding-DNA position 6254, A replaced by G.
Protein change: p.Asn2085Ser; replaces asparagine 2085 with serine.
Molecular consequence: missense variant.
Genome position (GRCh38, 1-based): chr10:16,928,174, T>C on the plus strand (A>G on the coding strand, the complement: CUBN is on the minus strand). VCF-style: chr10-16928174-T-C. GRCh37 (hg19) VCF-style: chr10-16970173-T-C.
Other names: short protein forms N2085S.
Identifiers: ClinVar variation 1389292 (VCV001389292.8), dbSNP rs569527072, ClinGen allele CA5423753.

ClinVar aggregate classification (germline): Uncertain significance. Review status: criteria provided, multiple submitters, no conflicts (2 of 4 stars). 3 submissions from 3 submitters: Uncertain significance (3). Last evaluated 2022-04-27.

Conditions:
Imerslund-Grasbeck syndrome. Also called: PERNICIOUS ANEMIA, JUVENILE, DUE TO SELECTIVE INTESTINAL MALABSORPTION OF VITAMIN B12, WITH PROTEINURIA; Megaloblastic anemia due to inborn errors of metabolism; ENTEROCYTE COBALAMIN MALABSORPTION; ENTEROCYTE INTRINSIC FACTOR RECEPTOR, DEFECT OF; Imerslund-Gräsbeck syndrome. Identifiers: Orphanet 35858, MedGen C4551825, MONDO:0009853.
Proteinuria, chronic benign. Identifiers: MedGen C5394384, MONDO:0030042, OMIM 618884.
Imerslund-Grasbeck syndrome type 1 (IGS1). Also called: Imerslund-Gräsbeck syndrome 1; Megaloblastic anemia 1, Finnish type; MEGALOBLASTIC ANEMIA, 1. Identifiers: MedGen C4016819, MONDO:0100156, OMIM 261100.

Allele frequency attached by ClinVar (database versions not stated): 1000 Genomes Project 30x 0.00016; 1000 Genomes Project 0.00020; gnomAD exomes 0.00003.
gnomAD v4.1: 51 of 1,613,842 alleles (0.0032%); highest among the groups gnomAD compares: South Asian, 0.0055%; no homozygotes.

Submissions (3):

Fulgent Genetics
Classification: Uncertain significance for Imerslund-Grasbeck syndrome type 1; Proteinuria, chronic benign. Last evaluated: 2022-04-27. Review status: criteria provided, single submitter. Criteria: ACMG Guidelines, 2015. Collection method: clinical testing. Allele origin: unknown.

New York Genome Center
Classification: Uncertain significance for Imerslund-Grasbeck syndrome type 1. Last evaluated: 2021-08-12. Review status: criteria provided, single submitter. Criteria: NYGC Assertion Criteria 2020. Collection method: clinical testing. Allele origin: inherited. Observed: 1 compound heterozygote. Study: CSER-NYCKidSeq.
Comment: The inherited c.6254A>G (p.Asn2085Ser) variant in CUBN has not been reported in the literature in individuals affected with Imerslund-Grasbeck syndrome 1. This variant has 0.000006574 allele frequency in gnomAD(v3) database (1 out of 152124 heterozygous alleles, no homozygotes) suggesting it is not a common benign variant in the populations represented in that database. This variant affects evolutionarily conserved residues. In silico prediction tools provide conflicting predictions about potential pathogenicity. Based on the available evidence, the inherited c.6254A>G (p.Asn2085Ser) variant in CUBN is reported as a Variant of Uncertain Significance.

Labcorp Genetics (formerly Invitae), Labcorp
Classification: Uncertain significance for Imerslund-Grasbeck syndrome. Last evaluated: 2021-08-03. Review status: criteria provided, single submitter. Criteria: Invitae Variant Classification Sherloc (09022015). Collection method: clinical testing. Allele origin: germline.
Comment: This sequence change replaces asparagine with serine at codon 2085 of the CUBN protein (p.Asn2085Ser). The asparagine residue is highly conserved and there is a small physicochemical difference between asparagine and serine. This variant is present in population databases (rs569527072, ExAC 0.01%). This variant has not been reported in the literature in individuals affected with CUBN-related conditions. Algorithms developed to predict the effect of missense changes on protein structure and function are either unavailable or do not agree on the potential impact of this missense change (SIFT: "Tolerated"; PolyPhen-2: "Probably Damaging"; Align-GVGD: "Class C0"). In summary, the available evidence is currently insufficient to determine the role of this variant in disease. Therefore, it has been classified as a Variant of Uncertain Significance.